The following is an entry in ClinVar:

NM_002336.3(LRP6):c.1093A>G (p.Ile365Val)

Gene: LRP6 (LDL receptor related protein 6; minus strand). Cytogenetic location: 12p13.2.
Variant type: single nucleotide variant.
Coding change: c.1093A>G on transcript NM_002336.3 (MANE Select); coding-DNA position 1093, A replaced by G.
Protein change: p.Ile365Val; replaces isoleucine 365 with valine.
Molecular consequence: missense variant. On other transcripts: non-coding transcript variant (1).
Genome position (GRCh38, 1-based): chr12:12,181,323, T>C on the plus strand (A>G on the coding strand, the complement: LRP6 is on the minus strand). VCF-style: chr12-12181323-T-C. GRCh37 (hg19) VCF-style: chr12-12334257-T-C.
Other names: c.1093A>G, p.Ile365Val (NM_001414244.1, NM_001414245.1, NM_001414246.1 and 5 more transcripts); c.895A>G, p.Ile299Val (NM_001414247.1); c.640A>G, p.Ile214Val (NM_001414252.1, NM_001414253.1, NM_001414254.1); c.1093A>G (NM_002336.2); short protein forms I214V, I299V, I365V.
Identifiers: ClinVar variation 2732374 (VCV002732374.4), dbSNP rs746780249, ClinGen allele CA6455729.
Genomic context (GRCh38, chr12:12,181,323, plus strand): 5'-GTATGGCCCTCACTTCATCATCAGTCCAGTAGATGTAGCCTTCCACAGGATCGTAATCTA[T>C]GGCAATGGCATGACGGATGTCTTCTAACTGCAGAACAATGTCTGTAAAATCTGGTGTATC-3'
Protein context (NP_002327.2, residues 355-375): QLEDIRHAIA[Ile365Val]DYDPVEGYIY

ClinVar aggregate classification (germline): Uncertain significance. Review status: criteria provided, multiple submitters, no conflicts (2 of 4 stars). 2 submissions from 2 submitters: Uncertain significance (2). Last evaluated 2025-10-02.

Conditions:
Inborn genetic diseases. Identifiers: MedGen C0950123, MeSH D030342.

Allele frequency attached by ClinVar (database versions not stated): TOPMed 0.00002; gnomAD exomes 0.00002; gnomAD 0.00001.
gnomAD v4.1: 37 of 1,614,038 alleles (0.0023%); highest among the groups gnomAD compares: Middle Eastern, 0.016%; no homozygotes.

Submissions (2):

Ambry Genetics
Classification: Uncertain significance for Inborn genetic diseases. Last evaluated: 2025-10-02. Review status: criteria provided, single submitter. Criteria: Ambry Variant Classification Scheme 2023. Collection method: clinical testing. Allele origin: germline.

Labcorp Genetics (formerly Invitae), Labcorp
Classification: Uncertain significance. Last evaluated: 2025-02-28. Review status: criteria provided, single submitter. Criteria: Invitae Variant Classification Sherloc (09022015). Collection method: clinical testing. Allele origin: germline.
Comment: This sequence change replaces isoleucine, which is neutral and non-polar, with valine, which is neutral and non-polar, at codon 365 of the LRP6 protein (p.Ile365Val). This variant is present in population databases (rs746780249, gnomAD 0.005%). This variant has not been reported in the literature in individuals affected with LRP6-related conditions. ClinVar contains an entry for this variant (Variation ID: 2732374). Invitae Evidence Modeling of protein sequence and biophysical properties (such as structural, functional, and spatial information, amino acid conservation, physicochemical variation, residue mobility, and thermodynamic stability) indicates that this missense variant is not expected to disrupt LRP6 protein function with a negative predictive value of 80%. In summary, the available evidence is currently insufficient to determine the role of this variant in disease. Therefore, it has been classified as a Variant of Uncertain Significance.